The following is an entry in ClinVar:

ClinVar aggregate classification (germline): Uncertain significance. Review status: criteria provided, multiple submitters, no conflicts (2 of 4 stars). 9 submissions from 9 submitters: Uncertain significance (9). Last evaluated 2026-10-01.

Conditions:
Hereditary nonpolyposis colorectal neoplasms. Identifiers: MedGen C0009405, MeSH D003123.
Hereditary cancer-predisposing syndrome. Also called: Hereditary neoplastic syndrome; Tumor predisposition; Neoplastic Syndromes, Hereditary; Hereditary Cancer Syndrome. Identifiers: Orphanet 140162, MedGen C0027672, MeSH D009386, MONDO:0015356.
Lynch syndrome. Identifiers: Orphanet 144, MedGen C4552100, MONDO:0005835. Disease mechanism: loss of function.
Lynch syndrome 5 (LYNCH5). Also called: Hereditary non-polyposis colorectal cancer, type 5; Colorectal cancer, hereditary nonpolyposis, type 5. Identifiers: Orphanet 144, MedGen C1833477, MONDO:0013710, OMIM 614350. Disease mechanism: loss of function.

Submissions (9):

St. Jude Molecular Pathology, St. Jude Children's Research Hospital
Classification: Uncertain significance for Lynch syndrome 5. Last evaluated: 2026-10-01. Review status: criteria provided, single submitter. Criteria: St. Jude Assertion Criteria 2020. Collection method: clinical testing. Allele origin: germline.
Comment: The MSH6 c.3976A> C p.(Met1326Leu) missense change has a maximum subpopulation frequency of 0.02% in gnomAD v2.1.1. In silico tools predict a benign effect of this variant on protein function, but to our knowledge this prediction has no t been confirmed by functional studies. To our knowledge, this variant has not been reported in individuals with Lynch syndrome or constitutional mismatch repair deficiency. In summary, the evidence currently available is insufficient to determine the clinical significance of this variant. It has therefore been classified as of uncertain significance.

Labcorp Genetics (formerly Invitae), Labcorp
Classification: Uncertain significance for Hereditary nonpolyposis colorectal neoplasms. Last evaluated: 2026-02-01. Review status: criteria provided, single submitter. Criteria: Invitae Variant Classification Sherloc (09022015). Collection method: clinical testing. Allele origin: germline.
Comment: This sequence change replaces methionine, which is neutral and non-polar, with leucine, which is neutral and non-polar, at codon 1326 of the MSH6 protein (p.Met1326Leu). This variant is present in population databases (rs587779939, gnomAD 0.02%). This variant has not been reported in the literature in individuals affected with MSH6-related conditions. ClinVar contains an entry for this variant (Variation ID: 187326). Invitae Evidence Modeling of protein sequence and biophysical properties (such as structural, functional, and spatial information, amino acid conservation, physicochemical variation, residue mobility, and thermodynamic stability) indicates that this missense variant is not expected to disrupt MSH6 protein function with a negative predictive value of 95%. In summary, the available evidence is currently insufficient to determine the role of this variant in disease. Therefore, it has been classified as a Variant of Uncertain Significance.

Quest Diagnostics Nichols Institute San Juan Capistrano
Classification: Uncertain significance. Last evaluated: 2025-06-13. Review status: criteria provided, single submitter. Criteria: Quest Diagnostics criteria. Collection method: clinical testing. Allele origin: unknown.
Comment: The MSH6 c.3976A>C (p.Met1326Leu) variant has not been reported in individuals with MSH6-related conditions in the published literature. The frequency of this variant in the general population (Genome Aggregation Database) is uninformative in the assessment of its pathogenicity. Analysis of this variant using bioinformatics tools for the prediction of the effect of amino acid changes on protein structure and function yielded predictions that this variant is benign. Based on the available information, we are unable to determine the clinical significance of this variant.

Color Diagnostics, LLC DBA Color Health
Classification: Uncertain significance for Hereditary cancer-predisposing syndrome. Last evaluated: 2025-03-04. Review status: criteria provided, single submitter. Criteria: ACMG Guidelines, 2015. Collection method: clinical testing. Allele origin: germline.
Comment: This missense variant replaces methionine with leucine at codon 1326 of the MSH6 protein. Computational prediction suggests that this variant may not impact protein structure and function. To our knowledge, functional studies have not been reported for this variant. This variant has not been reported in individuals affected with MSH6-related disorders in the literature. This variant has been identified in 6/247380 chromosomes in the general population by the Genome Aggregation Database (gnomAD). The available evidence is insufficient to determine the role of this variant in disease conclusively. Therefore, this variant is classified as a Variant of Uncertain Significance.

Ambry Genetics
Classification: Uncertain significance for Hereditary cancer-predisposing syndrome. Last evaluated: 2024-11-01. Review status: criteria provided, single submitter. Criteria: Ambry Variant Classification Scheme 2023. Collection method: clinical testing. Allele origin: germline.
Comment: The p.M1326L variant (also known as c.3976A>C), located in coding exon 9 of the MSH6 gene, results from an A to C substitution at nucleotide position 3976. The methionine at codon 1326 is replaced by leucine, an amino acid with highly similar properties. This amino acid position is not well conserved in available vertebrate species. In addition, the in silico prediction for this alteration is inconclusive. Since supporting evidence is limited at this time, the clinical significance of this alteration remains unclear.

Women's Health and Genetics/Laboratory Corporation of America, LabCorp
Classification: Uncertain significance. Last evaluated: 2024-09-17. Review status: criteria provided, single submitter. Criteria: LabCorp Variant Classification Summary - May 2015. Collection method: clinical testing. Allele origin: germline.
Comment: Variant summary: MSH6 c.3976A>C (p.Met1326Leu) results in a conservative amino acid change in the encoded protein sequence. Four of five in-silico tools predict a benign effect of the variant on protein function. The variant allele was found at a frequency of 2.4e-05 in 247380 control chromosomes. The available data on variant occurrences in the general population are insufficient to allow any conclusion about variant significance. To our knowledge, no occurrence of c.3976A>C in individuals affected with Lynch Syndrome and no experimental evidence demonstrating its impact on protein function have been reported. ClinVar contains an entry for this variant (Variation ID: 187326). Based on the evidence outlined above, the variant was classified as uncertain significance.

All of Us Research Program, National Institutes of Health
Classification: Uncertain significance for Lynch syndrome. Last evaluated: 2023-11-20. Review status: criteria provided, single submitter. Criteria: ACMG Guidelines, 2015. Collection method: clinical testing. Allele origin: germline. Inheritance: Autosomal dominant inheritance. Observed: 2 variant alleles, 2 heterozygotes.
Comment: This missense variant replaces methionine with leucine at codon 1326 of the MSH6 protein. Computational prediction suggests that this variant may not impact protein structure and function (internally defined REVEL score threshold <= 0.5, PMID: 27666373). To our knowledge, functional studies have not been reported for this variant. This variant has not been reported in individuals affected with MSH6-related disorders in the literature. This variant has been identified in 6/247380 chromosomes in the general population by the Genome Aggregation Database (gnomAD). The available evidence is insufficient to determine the role of this variant in disease conclusively. Therefore, this variant is classified as a Variant of Uncertain Significance.

This study involves interpretation of variants in research participants for the purpose of population health screening. Participant phenotype was not available at the time of variant classification. Additional details can be found in publication PMID: 35346344, PMCID: PMC8962531

Revvity Omics, Revvity
Classification: Uncertain significance. Last evaluated: 2020-10-19. Review status: criteria provided, single submitter. Criteria: ACMG Guidelines, 2015. Collection method: clinical testing. Allele origin: germline.

GeneDx
Classification: Uncertain significance. Last evaluated: 2019-05-03. Review status: criteria provided, single submitter. Criteria: GeneDx Variant Classification Process June 2021. Collection method: clinical testing. Allele origin: germline. Affected: yes.
Comment: Not observed at a significant frequency in large population cohorts (Lek et al., 2016); In silico analysis, which includes protein predictors and evolutionary conservation, supports that this variant does not alter protein structure/function; Has not been previously published as pathogenic or benign to our knowledge

NM_000179.3(MSH6):c.3976A>C (p.Met1326Leu)

Gene: MSH6 (mutS homolog 6; plus strand). Cytogenetic location: 2p16.3.
Variant type: single nucleotide variant.
Coding change: c.3976A>C on transcript NM_000179.3 (MANE Select); coding-DNA position 3976, A replaced by C.
Protein change: p.Met1326Leu; replaces methionine 1326 with leucine.
Molecular consequence: missense variant.
Genome position (GRCh38, 1-based): chr2:47,806,626, A>C. VCF-style: chr2-47806626-A-C. GRCh37 (hg19) VCF-style: chr2-48033765-A-C.
Other names: c.3586A>C, p.Met1196Leu (NM_001281492.2); c.3070A>C, p.Met1024Leu (NM_001281493.2, NM_001281494.2); short protein forms M1326L, M1024L, M1196L.
Identifiers: ClinVar variation 187326 (VCV000187326.26), dbSNP rs587779939, ClinGen allele CA014964.
Genomic context (GRCh38, chr2:47,806,626, plus strand): 5'-GCTAATCTCCCAGAGGAAGTTATTCAAAAGGGACATAGAAAAGCAAGAGAATTTGAGAAG[A>C]TGAATCAGTCACTACGATTATTTCGGTAACTAACTAACTATAATGGAATTATAACTAACT-3'
Protein context (NP_000170.1, residues 1316-1336): GHRKAREFEK[Met1326Leu]NQSLRLFREV